The following is an entry in ClinVar:

NM_004168.4(SDHA):c.713G>T (p.Cys238Phe)

Gene: SDHA (succinate dehydrogenase complex flavoprotein subunit A; plus strand). Cytogenetic location: 5p15.33.
Variant type: single nucleotide variant.
Coding change: c.713G>T on transcript NM_004168.4 (MANE Select); coding-DNA position 713, G replaced by T.
Protein change: p.Cys238Phe; replaces cysteine 238 with phenylalanine.
Molecular consequence: missense variant.
Genome position (GRCh38, 1-based): chr5:228,276, G>T. VCF-style: chr5-228276-G-T. GRCh37 (hg19) VCF-style: chr5-228391-G-T.
Other names: c.569G>T, p.Cys190Phe (NM_001294332.2); c.713G>T, p.Cys238Phe (NM_001330758.2); short protein forms C238F, C190F.
Identifiers: ClinVar variation 472400 (VCV000472400.7), dbSNP rs1168458733, ClinGen allele CA359011016.

ClinVar aggregate classification (germline): Uncertain significance (1 of 4 stars; one submission).

Conditions:
Mitochondrial complex II deficiency, nuclear type 1. Also called: SUCCINATE CoQ REDUCTASE DEFICIENCY. Identifiers: Orphanet 3208, MedGen C5700310, MONDO:0100294, OMIM 252011.
Pheochromocytoma/paraganglioma syndrome 5. Also called: Paragangliomas 5; SDHA-Related Hereditary Paraganglioma-Pheochromocytoma Syndrome. Identifiers: Orphanet 29072, MedGen C3279992, MONDO:0013602, OMIM 614165.

Allele frequency attached by ClinVar (database versions not stated): gnomAD exomes below 0.00001 and 0.00001.
gnomAD v4.1: 8 of 1,613,878 alleles (0.0005%); highest among the groups gnomAD compares: Non-Finnish European, 0.00059%; no homozygotes.

Submission:

Labcorp Genetics (formerly Invitae), Labcorp
Classification: Uncertain significance for Pheochromocytoma/paraganglioma syndrome 5; Mitochondrial complex II deficiency, nuclear type 1. Last evaluated: 2022-04-15. Review status: criteria provided, single submitter. Criteria: Invitae Variant Classification Sherloc (09022015). Collection method: clinical testing. Allele origin: germline.
Comment: This sequence change replaces cysteine, which is neutral and slightly polar, with phenylalanine, which is neutral and non-polar, at codon 238 of the SDHA protein (p.Cys238Phe). This variant is present in population databases (no rsID available, gnomAD 0.0009%). This variant has not been reported in the literature in individuals affected with SDHA-related conditions. ClinVar contains an entry for this variant (Variation ID: 472400). Advanced modeling of protein sequence and biophysical properties (such as structural, functional, and spatial information, amino acid conservation, physicochemical variation, residue mobility, and thermodynamic stability) performed at Invitae indicates that this missense variant is not expected to disrupt SDHA protein function. In summary, the available evidence is currently insufficient to determine the role of this variant in disease. Therefore, it has been classified as a Variant of Uncertain Significance.